The following is an entry in ClinVar:

NM_001355436.2(SPTB):c.5377dup (p.Leu1793fs)

Gene: SPTB (spectrin beta, erythrocytic; minus strand). Cytogenetic location: 14q23.3.
Variant type: Duplication.
Coding change: c.5377dup on transcript NM_001355436.2 (MANE Select); coding-DNA position 5377, one base duplicated (C; older notation c.5377dupC).
Protein change: p.Leu1793fs; shifts the reading frame from leucine 1793.
Molecular consequence: frameshift variant.
Genome position (GRCh38, 1-based): chr14:64,772,756, G duplicated on the plus strand (C on the coding strand, the reverse complement: SPTB is on the minus strand). VCF-style (leftmost placement, unchanged base first): chr14-64772755-A-AG. GRCh37 (hg19) VCF-style: chr14-65239473-A-AG.
Other names: p.Leu1793Profs*6; c.5377dup, p.Leu1793fs (NM_001024858.4, NM_001355437.2); short protein forms L1793fs.
Identifiers: ClinVar variation 4541843 (VCV004541843.1).
Genomic context (GRCh38, chr14:64,772,755, plus strand): 5'-ATGAGGCCCAGGATCTCGGCACCCGTGTAGAAGTAGCGGTGCAGGTCATAGGAGGCGGCC[A>AG]GCAGCTGCATGCGCGTGTCAATGAGCTCCAGGAGGTCTGCCCACATCTCGTTCAGCCCGT-3'

ClinVar aggregate classification (germline): Likely pathogenic (1 of 4 stars; one submission).

Submission:

Mayo Clinic Laboratories, Mayo Clinic
Classification: Likely pathogenic. Last evaluated: 2025-07-01. Review status: criteria provided, single submitter. Criteria: ACMG Guidelines, 2015. Collection method: clinical testing. Allele origin: germline. Observed: 1 variant allele.
Comment: PM2_supporting, PVS1